The following is an entry in ClinVar:

ClinVar aggregate classification (germline): Conflicting classifications of pathogenicity. Review status: criteria provided, conflicting classifications (1 of 4 stars). 4 submissions from 4 submitters: Uncertain significance (2); Likely benign (2). Last evaluated 2026-01-25.

Conditions:
Thrombocytopenia 1. Also called: X-Linked Thrombocytopenia (XLT); X-linked thrombocytopenia with normal platelets; THROMBOCYTOPENIA, X-LINKED, 1. Identifiers: Orphanet 268322, Orphanet 852, MedGen C1839163, MONDO:0010743, OMIM 313900.
Wiskott-Aldrich syndrome (WAS). Also called: ALDRICH SYNDROME; IMMUNODEFICIENCY 2; WISKOTT-ALDRICH SYNDROME 1; Wiskott-aldrich syndrome, somatic. Identifiers: Orphanet 906, MedGen C0043194, MONDO:0010518, OMIM 301000.
X-linked severe congenital neutropenia (SCNX). Identifiers: Orphanet 86788, MedGen C1845987, MONDO:0010294, OMIM 300299.

Allele frequency attached by ClinVar (database versions not stated): gnomAD exomes 0.00001 and 0.00005; ExAC 0.00008; gnomAD 0.00010 and 0.00011; TOPMed 0.00012; ESP Exome Variant Server 0.00028.
gnomAD v4.1: 24 of 1,204,627 alleles (0.002%); highest among the groups gnomAD compares: African/African-American, 0.043%; no homozygotes.

Submissions (4):

Labcorp Genetics (formerly Invitae), Labcorp
Classification: Likely benign for Wiskott-Aldrich syndrome; X-linked severe congenital neutropenia; Thrombocytopenia 1. Last evaluated: 2026-01-25. Review status: criteria provided, single submitter. Criteria: Invitae Variant Classification Sherloc (09022015). Collection method: clinical testing. Allele origin: germline.

Women's Health and Genetics/Laboratory Corporation of America, LabCorp
Classification: Uncertain significance. Last evaluated: 2024-09-24. Review status: criteria provided, single submitter. Criteria: LabCorp Variant Classification Summary - May 2015. Collection method: clinical testing. Allele origin: germline.
Comment: Variant summary: WAS c.266G>A (p.Gly89Asp) results in a non-conservative amino acid change located in the WH1/EVH1 domain (IPR000697) of the encoded protein sequence. Three of five in-silico tools predict a damaging effect of the variant on protein function. The variant allele was found at a frequency of 5.2e-05 in 172825 control chromosomes. c.266G>A has been reported in the literature in a heterozygous individual affected with thrombocytopenia with normal platelet numbers (MacCarthy_1998). These data do not allow any conclusion about variant significance. At least one publication reports experimental evidence evaluating an impact on protein function. The most pronounced variant effect results in up to 50% of normal activity in a growth defect yeast strain (Rajmohan_2009). The following publications have been ascertained in the context of this evaluation (PMID: 9683546, 19817875, 37647632). ClinVar contains an entry for this variant (Variation ID: 656066). Based on the evidence outlined above, the variant was classified as VUS-possibly pathogenic.

Blueprint Genetics
Classification: Likely benign. Last evaluated: 2022-10-18. Review status: criteria provided, single submitter. Criteria: ACMG Guidelines, 2015. Collection method: clinical testing. Allele origin: germline.

Mayo Clinic Laboratories, Mayo Clinic
Classification: Uncertain significance. Last evaluated: 2022-10-03. Review status: criteria provided, single submitter. Criteria: ACMG Guidelines, 2015. Collection method: clinical testing. Allele origin: germline. Observed: 1 variant allele.

Literature cited by the submitters: PubMed 9683546 (cited by Women's Health and Genetics/Laboratory Corporation of America, LabCorp and Mayo Clinic Laboratories, Mayo Clinic); PubMed 19817875 (cited by Women's Health and Genetics/Laboratory Corporation of America, LabCorp and Mayo Clinic Laboratories, Mayo Clinic); PubMed 37647632 (cited by Women's Health and Genetics/Laboratory Corporation of America, LabCorp); PubMed 20173115 (cited by Mayo Clinic Laboratories, Mayo Clinic).

NM_000377.3(WAS):c.266G>A (p.Gly89Asp)

Gene: WAS (WASP actin nucleation promoting factor; plus strand). Cytogenetic location: Xp11.23.
Variant type: single nucleotide variant.
Coding change: c.266G>A on transcript NM_000377.3 (MANE Select); coding-DNA position 266, G replaced by A.
Protein change: p.Gly89Asp; replaces glycine 89 with aspartic acid.
Molecular consequence: missense variant.
Genome position (GRCh38, 1-based): chrX:48,684,416, G>A. VCF-style: chrX-48684416-G-A. GRCh37 (hg19) VCF-style: chrX-48542805-G-A.
Other names: p.Gly89Asp; short protein forms G89D.
Identifiers: ClinVar variation 656066 (VCV000656066.11), dbSNP rs139857045, ClinGen allele CA10403875.
Genomic context (GRCh38, chrX:48,684,416, plus strand): 5'-GTGGGGCTGTGTGCTTCGTGAAGGATAACCCCCAGAAGTCCTACTTCATCCGCCTTTACG[G>A]CCTTCAGGTGACCCCCCCACCCCCGACTGGACTTGCAAGCCAGTTCTCAACCCGCAAACC-3'
Protein context (NP_000368.1, residues 79-99): PQKSYFIRLY[Gly89Asp]LQAGRLLWEQ